The following is an entry in ClinVar:

NM_006015.6(ARID1A):c.3301T>C (p.Tyr1101His)

Gene: ARID1A (AT-rich interaction domain 1A; plus strand). Cytogenetic location: 1p36.11.
Variant type: single nucleotide variant.
Coding change: c.3301T>C on transcript NM_006015.6 (MANE Select); coding-DNA position 3301, T replaced by C.
Protein change: p.Tyr1101His; replaces tyrosine 1101 with histidine.
Molecular consequence: missense variant.
Genome position (GRCh38, 1-based): chr1:26,771,221, T>C. VCF-style: chr1-26771221-T-C. GRCh37 (hg19) VCF-style: chr1-27097712-T-C.
Other names: c.3301T>C, p.Tyr1101His (NM_139135.4); short protein forms Y1101H.
Identifiers: ClinVar variation 4685027 (VCV004685027.1).
Genomic context (GRCh38, chr1:26,771,221, plus strand): 5'-AATGTGGGCACATCAAGCAGTGCTGCCAGCTCCTTGAAAAAGCAGTATATCCAGTGTCTC[T>C]ATGCCTTTGAATGCAAGATTGAACGGGGAGAAGACCCTCCCCCAGACATCTTTGCAGCTG-3'
Protein context (NP_006006.3, residues 1091-1111): SLKKQYIQCL[Tyr1101His]AFECKIERGE

ClinVar aggregate classification (germline): Uncertain significance (1 of 4 stars; one submission).

Submission:

GeneDx
Classification: Uncertain significance. Last evaluated: 2025-07-11. Review status: criteria provided, single submitter. Criteria: GeneDx Variant Classification Process June 2021. Collection method: clinical testing. Allele origin: germline. Affected: yes.
Comment: Not observed at significant frequency in large population cohorts (gnomAD); In silico analysis supports that this missense variant has a deleterious effect on protein structure/function; Has not been previously published as pathogenic or benign to our knowledge